The following is an entry in ClinVar:

ClinVar aggregate classification (germline): Benign (0 of 4 stars; one submission).

Conditions:
KIAA0825-related disorder. Also called: KIAA0825-related condition.

Allele frequency attached by ClinVar (database versions not stated): TOPMed 0.02296; gnomAD 0.02643; 1000 Genomes Project 30x 0.02889; 1000 Genomes Project 0.03155; ExAC 0.04048.
gnomAD v4.1: 51,557 of 1,551,332 alleles (3.3%); highest among the groups gnomAD compares: East Asian, 5.8%; 1,020 homozygotes.

Submission:

PreventionGenetics, part of Exact Sciences
Classification: Benign for KIAA0825-related condition. Last evaluated: 2019-11-04. Review status: no assertion criteria provided. Collection method: clinical testing. Allele origin: germline.
Comment: This variant is classified as benign based on ACMG/AMP sequence variant interpretation guidelines (Richards et al. 2015 PMID: 25741868, with internal and published modifications).

NM_001145678.3(KIAA0825):c.3530C>T (p.Thr1177Met)

Gene: KIAA0825 (KIAA0825; minus strand). Cytogenetic location: 5q15.
Variant type: single nucleotide variant.
Coding change: c.3530C>T on transcript NM_001145678.3 (MANE Select); coding-DNA position 3530, C replaced by T.
Protein change: p.Thr1177Met; replaces threonine 1177 with methionine.
Molecular consequence: missense variant. On other transcripts: non-coding transcript variant (1).
Genome position (GRCh38, 1-based): chr5:94,386,331, G>A on the plus strand (C>T on the coding strand, the complement: KIAA0825 is on the minus strand). VCF-style: chr5-94386331-G-A. GRCh37 (hg19) VCF-style: chr5-93722036-G-A.
Other names: c.3545C>T, p.Thr1182Met (NM_001385712.1, NM_001385713.1, NM_001388325.1); short protein forms T1177M, T1182M.
Identifiers: ClinVar variation 3059786 (VCV003059786.2), dbSNP rs72771666, ClinGen allele CA3343954.
Genomic context (GRCh38, chr5:94,386,331, plus strand): 5'-GCCTTATACACATGGAAAGGGTTAAAGGCAGAAGGCTGATCTTCTATACTCCTCAAGGTC[G>A]TCTTTAAAGGTCGGATGGGTAATGGCTTTTCCTCTGAACTATTCATAGAAAACAGCTGTT-3'
Protein context (NP_001139150.1, residues 1167-1187): EKPLPIRPLK[Thr1177Met]TLRSIEDQPS